The following is an entry in ClinVar:

ClinVar aggregate classification (germline): Uncertain significance. Review status: criteria provided, multiple submitters, no conflicts (2 of 4 stars). 2 submissions from 2 submitters: Uncertain significance (2). Last evaluated 2026-02-01.

Allele frequency attached by ClinVar (database versions not stated): gnomAD exomes below 0.00001.
gnomAD v4.1: 4 of 1,491,604 alleles (0.00027%); highest among the groups gnomAD compares: Admixed American, 0.0022%; no homozygotes.

Submissions (2):

Labcorp Genetics (formerly Invitae), Labcorp
Classification: Uncertain significance. Last evaluated: 2026-02-01. Review status: criteria provided, single submitter. Criteria: Invitae Variant Classification Sherloc (09022015). Collection method: clinical testing. Allele origin: germline.
Comment: This sequence change replaces alanine, which is neutral and non-polar, with valine, which is neutral and non-polar, at codon 17 of the IMPDH1 protein (p.Ala17Val). The frequency data for this variant in the population databases is considered unreliable, as metrics indicate poor data quality at this position in the gnomAD database. This variant has not been reported in the literature in individuals affected with IMPDH1-related conditions. ClinVar contains an entry for this variant (Variation ID: 1046608). Experimental studies and prediction algorithms are not available or were not evaluated, and the functional significance of this variant is currently unknown. In summary, the available evidence is currently insufficient to determine the role of this variant in disease. Therefore, it has been classified as a Variant of Uncertain Significance.

Blueprint Genetics
Classification: Uncertain significance. Last evaluated: 2021-09-21. Review status: criteria provided, single submitter. Criteria: ACMG Guidelines, 2015. Collection method: clinical testing. Allele origin: germline.

NM_000883.4(IMPDH1):c.50C>T (p.Ala17Val)

Genes: IMPDH1 (inosine monophosphate dehydrogenase 1; minus strand), LOC129999258 (ATAC-STARR-seq lymphoblastoid silent region 18606; plus strand). Cytogenetic location: 7q32.1.
Variant type: single nucleotide variant.
Coding change: c.50C>T on transcript NM_000883.4 (MANE Select); coding-DNA position 50, C replaced by T.
Protein change: p.Ala17Val; replaces alanine 17 with valine.
Molecular consequence: missense variant.
Genome position (GRCh38, 1-based): chr7:128,409,852, G>A on the plus strand (C>T on the coding strand, the complement: IMPDH1 is on the minus strand). VCF-style: chr7-128409852-G-A. GRCh37 (hg19) VCF-style: chr7-128049906-G-A.
Other names: c.50C>T, p.Ala17Val (NM_001102605.2, NM_001142576.2, NM_001304521.2 and 1 more transcripts); short protein forms A17V.
Identifiers: ClinVar variation 1046608 (VCV001046608.10), dbSNP rs1459368145, ClinGen allele CA369182319.